The following is an entry in ClinVar:

ClinVar aggregate classification (germline): Benign/Likely benign. Review status: criteria provided, multiple submitters, no conflicts (2 of 4 stars). 3 submissions from 3 submitters: Benign (1); Likely benign (1). 1 of the submissions does not count toward it. Last evaluated 2025-09-15.

Conditions:
RBP3-related disorder. Also called: RBP3-related condition.

Allele frequency attached by ClinVar (database versions not stated): TOPMed 0.00001; ESP Exome Variant Server 0.00008; 1000 Genomes Project 0.00160; 1000 Genomes Project 30x 0.00187.
gnomAD v4.1: 588 of 1,613,896 alleles (0.036%); highest among the groups gnomAD compares: South Asian, 0.6%; 8 homozygotes.

Submissions (3):

Labcorp Genetics (formerly Invitae), Labcorp
Classification: Benign. Last evaluated: 2025-09-15. Review status: criteria provided, single submitter. Criteria: Invitae Variant Classification Sherloc (09022015). Collection method: clinical testing. Allele origin: germline.

Blueprint Genetics
Classification: Likely benign. Last evaluated: 2024-06-14. Review status: criteria provided, single submitter. Criteria: ACMG Guidelines, 2015. Collection method: clinical testing. Allele origin: germline.

PreventionGenetics, part of Exact Sciences
Classification: Likely benign for RBP3-related condition. Last evaluated: 2020-04-07. Review status: no assertion criteria provided. Collection method: clinical testing. Allele origin: germline. Not counted in ClinVar's aggregate classification.
Comment: This variant is classified as likely benign based on ACMG/AMP sequence variant interpretation guidelines (Richards et al. 2015 PMID: 25741868, with internal and published modifications).

NM_002900.3(RBP3):c.490G>T (p.Ala164Ser)

Gene: RBP3 (retinol binding protein 3; plus strand). Cytogenetic location: 10q11.22.
Variant type: single nucleotide variant.
Coding change: c.490G>T on transcript NM_002900.3 (MANE Select); coding-DNA position 490, G replaced by T.
Protein change: p.Ala164Ser; replaces alanine 164 with serine.
Molecular consequence: missense variant.
Genome position (GRCh38, 1-based): chr10:47,348,974, G>T. VCF-style: chr10-47348974-G-T. GRCh37 (hg19) VCF-style: chr10-48390388-C-A.
Other names: short protein forms A164S.
Identifiers: ClinVar variation 741918 (VCV000741918.14), dbSNP rs146287986, ClinGen allele CA5487774.